The following is an entry in ClinVar:

ClinVar aggregate classification (germline): Uncertain significance (1 of 4 stars; one submission).

Submission:

Labcorp Genetics (formerly Invitae), Labcorp
Classification: Uncertain significance. Last evaluated: 2023-05-23. Review status: criteria provided, single submitter. Criteria: Invitae Variant Classification Sherloc (09022015). Collection method: clinical testing. Allele origin: germline.
Comment: This sequence change replaces phenylalanine, which is neutral and non-polar, with cysteine, which is neutral and slightly polar, at codon 1515 of the DUOX2 protein (p.Phe1515Cys). This variant is not present in population databases (gnomAD no frequency). This variant has not been reported in the literature in individuals affected with DUOX2-related conditions. Advanced modeling of protein sequence and biophysical properties (such as structural, functional, and spatial information, amino acid conservation, physicochemical variation, residue mobility, and thermodynamic stability) performed at Invitae indicates that this missense variant is expected to disrupt DUOX2 protein function. In summary, the available evidence is currently insufficient to determine the role of this variant in disease. Therefore, it has been classified as a Variant of Uncertain Significance.

NM_001363711.2(DUOX2):c.4544T>G (p.Phe1515Cys)

Gene: DUOX2 (dual oxidase 2; minus strand). Cytogenetic location: 15q21.1.
Variant type: single nucleotide variant.
Coding change: c.4544T>G on transcript NM_001363711.2 (MANE Select); coding-DNA position 4544, T replaced by G.
Protein change: p.Phe1515Cys; replaces phenylalanine 1515 with cysteine.
Molecular consequence: missense variant.
Genome position (GRCh38, 1-based): chr15:45,094,253, A>C on the plus strand (T>G on the coding strand, the complement: DUOX2 is on the minus strand). VCF-style: chr15-45094253-A-C. GRCh37 (hg19) VCF-style: chr15-45386451-A-C.
Other names: c.4544T>G, p.Phe1515Cys (NM_014080.5); short protein forms F1515C.
Identifiers: ClinVar variation 2760118 (VCV002760118.3), dbSNP rs2504735269, ClinGen allele CA392249446.